The following is an entry in ClinVar:

ClinVar aggregate classification (germline): Uncertain significance (1 of 4 stars; one submission).

Submission:

Ambry Genetics
Classification: Uncertain significance. Last evaluated: 2022-09-26. Review status: criteria provided, single submitter. Criteria: Ambry Variant Classification Scheme 2023. Collection method: clinical testing. Allele origin: germline.
Comment: The p.R98S variant (also known as c.294G>T), located in coding exon 1 of the PALLD gene, results from a G to T substitution at nucleotide position 294. The arginine at codon 98 is replaced by serine, an amino acid with dissimilar properties. This amino acid position is conserved. In addition, this alteration is predicted to be tolerated by in silico analysis. Since supporting evidence is limited at this time, the clinical significance of this alteration remains unclear.

NM_001166108.2(PALLD):c.294G>T (p.Arg98Ser)

Gene: PALLD (palladin, cytoskeletal associated protein; plus strand). Cytogenetic location: 4q32.3.
Variant type: single nucleotide variant.
Coding change: c.294G>T on transcript NM_001166108.2 (MANE Select); coding-DNA position 294, G replaced by T.
Protein change: p.Arg98Ser; replaces arginine 98 with serine.
Molecular consequence: missense variant.
Genome position (GRCh38, 1-based): chr4:168,511,798, G>T. VCF-style: chr4-168511798-G-T. GRCh37 (hg19) VCF-style: chr4-169432949-G-T.
Other names: c.294G>T, p.Arg98Ser (NM_016081.4); short protein forms R98S.
Identifiers: ClinVar variation 1798044 (VCV001798044.2), dbSNP rs2531430346, ClinGen allele CA358725257.